The following is an entry in ClinVar:

ClinVar aggregate classification (germline): Uncertain significance. Review status: criteria provided, single submitter (1 of 4 stars). 2 submissions from 2 submitters: Uncertain significance (1). 1 of the submissions does not count toward it. Last evaluated 2022-08-31.

Conditions:
Fanconi anemia (FA). Also called: Fanconi's anemia. Identifiers: Orphanet 84, MedGen C0015625, MeSH D005199, MONDO:0019391.

gnomAD v4.1: 16 of 1,613,998 alleles (0.00099%); highest among the groups gnomAD compares: Non-Finnish European, 0.00017%; no homozygotes.

Submissions (2):

Labcorp Genetics (formerly Invitae), Labcorp
Classification: Uncertain significance for Fanconi anemia. Last evaluated: 2022-08-31. Review status: criteria provided, single submitter. Criteria: Invitae Variant Classification Sherloc (09022015). Collection method: clinical testing. Allele origin: germline.
Comment: This sequence change replaces serine, which is neutral and polar, with isoleucine, which is neutral and non-polar, at codon 192 of the FANCA protein (p.Ser192Ile). This variant is present in population databases (no rsID available, gnomAD 0.007%). This variant has not been reported in the literature in individuals affected with FANCA-related conditions. ClinVar contains an entry for this variant (Variation ID: 1061926). Advanced modeling of protein sequence and biophysical properties (such as structural, functional, and spatial information, amino acid conservation, physicochemical variation, residue mobility, and thermodynamic stability) performed at Invitae indicates that this missense variant is not expected to disrupt FANCA protein function. In summary, the available evidence is currently insufficient to determine the role of this variant in disease. Therefore, it has been classified as a Variant of Uncertain Significance.

Natera, Inc.
Classification: Uncertain significance for Fanconi anemia. Last evaluated: 2020-02-26. Review status: no assertion criteria provided. Collection method: clinical testing. Allele origin: germline. Not counted in ClinVar's aggregate classification.

NM_000135.4(FANCA):c.575G>T (p.Ser192Ile)

Gene: FANCA (FA complementation group A; minus strand). Cytogenetic location: 16q24.3.
Variant type: single nucleotide variant.
Coding change: c.575G>T on transcript NM_000135.4 (MANE Select); coding-DNA position 575, G replaced by T.
Protein change: p.Ser192Ile; replaces serine 192 with isoleucine.
Molecular consequence: missense variant.
Genome position (GRCh38, 1-based): chr16:89,808,315, C>A on the plus strand (G>T on the coding strand, the complement: FANCA is on the minus strand). VCF-style: chr16-89808315-C-A. GRCh37 (hg19) VCF-style: chr16-89874723-C-A.
Other names: c.575G>T, p.Ser192Ile (NM_001018112.3, NM_001286167.3); c.479G>T, p.Ser160Ile (NM_001351830.2); short protein forms S160I, S192I.
Identifiers: ClinVar variation 1061926 (VCV001061926.9), dbSNP rs771439604, ClinGen allele CA286607456.